The following is an entry in ClinVar:

ClinVar aggregate classification (germline): Uncertain significance (1 of 4 stars; one submission).

Allele frequency attached by ClinVar (database versions not stated): TOPMed below 0.00001; ExAC 0.00001; gnomAD exomes 0.00001 and 0.00002.

Submission:

Labcorp Genetics (formerly Invitae), Labcorp
Classification: Uncertain significance. Last evaluated: 2024-10-15. Review status: criteria provided, single submitter. Criteria: Invitae Variant Classification Sherloc (09022015). Collection method: clinical testing. Allele origin: germline.
Comment: This sequence change replaces arginine, which is basic and polar, with histidine, which is basic and polar, at codon 511 of the ARHGEF18 protein (p.Arg511His). This variant is present in population databases (rs747964204, gnomAD 0.005%). This variant has not been reported in the literature in individuals affected with ARHGEF18-related conditions. ClinVar contains an entry for this variant (Variation ID: 1516153). An algorithm developed to predict the effect of missense changes on protein structure and function (PolyPhen-2) suggests that this variant is likely to be disruptive. In summary, the available evidence is currently insufficient to determine the role of this variant in disease. Therefore, it has been classified as a Variant of Uncertain Significance.

NM_001367823.1(ARHGEF18):c.2096G>A (p.Arg699His)

Gene: ARHGEF18 (Rho/Rac guanine nucleotide exchange factor 18; plus strand). Cytogenetic location: 19p13.2.
Variant type: single nucleotide variant.
Coding change: c.2096G>A on transcript NM_001367823.1 (MANE Select); coding-DNA position 2096, G replaced by A.
Protein change: p.Arg699His; replaces arginine 699 with histidine.
Molecular consequence: missense variant.
Genome position (GRCh38, 1-based): chr19:7,453,707, G>A. VCF-style: chr19-7453707-G-A. GRCh37 (hg19) VCF-style: chr19-7518593-G-A.
Other names: c.1370G>A, p.Arg457His (NM_001130955.2); c.1058G>A, p.Arg353His (NM_001367824.1, NM_015318.4); short protein forms R457H, R353H, R699H.
Identifiers: ClinVar variation 1516153 (VCV001516153.7), dbSNP rs747964204, ClinGen allele CA9136704.